The following is an entry in ClinVar:

NC_000014.8:g.(?_50641152)_(50778868_?)dup

Genes: L2HGDH (L-2-hydroxyglutarate dehydrogenase; minus strand), SOS2 (SOS Ras/Rho guanine nucleotide exchange factor 2; minus strand). Cytogenetic location: 14q21.3.
Variant type: Duplication.
Identifiers: ClinVar variation 2425673 (VCV002425673.4).

ClinVar aggregate classification (germline): Uncertain significance (1 of 4 stars; one submission).

Conditions:
Noonan syndrome 9 (NS9). Identifiers: Orphanet 648, MedGen C4225282, MONDO:0014691, OMIM 616559.

Submission:

Labcorp Genetics (formerly Invitae), Labcorp
Classification: Uncertain significance for Noonan syndrome 9. Last evaluated: 2022-01-27. Review status: criteria provided, single submitter. Criteria: Invitae Variant Classification Sherloc (09022015). Collection method: clinical testing. Allele origin: germline.
Comment: In summary, the available evidence is currently insufficient to determine the role of this variant in disease. Therefore, it has been classified as a Variant of Uncertain Significance. Experimental studies and prediction algorithms are not available or were not evaluated, and the functional significance of this variant is currently unknown. This variant has not been reported in the literature in individuals affected with SOS2-related conditions. This variant results in a copy number gain of the genomic region encompassing exon(s) 1-8 of the SOS2 gene. This region includes the initiator codon of the gene. This copy number gain extends beyond the assayed region for this gene and therefore may encompass additional genes. As the precise location of this event is unknown, it may be in tandem or it may be located elsewhere in the genome.